The following is an entry in ClinVar:

ClinVar aggregate classification (germline): Conflicting classifications of pathogenicity. Review status: criteria provided, conflicting classifications (1 of 4 stars). 9 submissions from 9 submitters: Uncertain significance (2); Benign (1); Likely benign (4). 2 of the submissions do not count toward it. Last evaluated 2026-01-31.

Conditions:
FANCA-related disorder. Also called: FANCA-related condition.
Fanconi anemia (FA). Also called: Fanconi's anemia. Identifiers: Orphanet 84, MedGen C0015625, MeSH D005199, MONDO:0019391.
Fanconi anemia complementation group A (FANCA). Also called: FANCA-Related Fanconi Anemia; Fanconi anemia, group A. Identifiers: Orphanet 84, MedGen C3469521, MONDO:0009215, OMIM 227650.

Allele frequency attached by ClinVar (database versions not stated): ESP Exome Variant Server 0.00008; 1000 Genomes Project 0.00120; 1000 Genomes Project 30x 0.00125; gnomAD exomes 0.00015 and 0.00058; gnomAD 0.00025 and 0.00033; TOPMed 0.00031; ExAC 0.00044.
gnomAD v4.1: 299 of 1,614,190 alleles (0.019%); highest among the groups gnomAD compares: East Asian, 0.46%; 4 homozygotes.

Submissions (9):

Labcorp Genetics (formerly Invitae), Labcorp
Classification: Benign for Fanconi anemia. Last evaluated: 2026-01-31. Review status: criteria provided, single submitter. Criteria: Invitae Variant Classification Sherloc (09022015). Collection method: clinical testing. Allele origin: germline.

Blueprint Genetics
Classification: Likely benign. Last evaluated: 2024-07-24. Review status: criteria provided, single submitter. Criteria: ACMG Guidelines, 2015. Collection method: clinical testing. Allele origin: germline.

KCCC/NGS Laboratory, Kuwait Cancer Control Center
Classification: Likely benign for Fanconi anemia complementation group A. Last evaluated: 2023-07-07. Review status: criteria provided, single submitter. Criteria: ACMG Guidelines, 2015. Collection method: clinical testing. Allele origin: germline. Affected: yes.

Quest Diagnostics Nichols Institute San Juan Capistrano
Classification: Likely benign. Last evaluated: 2022-11-03. Review status: criteria provided, single submitter. Criteria: Quest Diagnostics criteria. Collection method: clinical testing. Allele origin: unknown.

Sema4
Classification: Uncertain significance for Fanconi anemia. Last evaluated: 2021-08-12. Review status: criteria provided, single submitter. Criteria: Sema4 Curation Guidelines. Collection method: curation. Allele origin: germline.
Comment: To the best of our knowledge, the FANCA c.2101A>G (p.K701E) variant has not been reported in individuals with FANCA-related disease. It was observed in 134/19950 chromosomes of the East Asian subpopulation, with three homozygotes, in the large and broad cohorts of the Genome Aggregation Database (PMID: 32461654). The variant has been reported in ClinVar (Variation ID 134251). Functional studies have not been performed, and in silico predictions of the variant's effect on protein function are inconclusive. The evidence is insufficient to meet ACMG/AMP criteria for classifying the variant as benign or pathogenic. Thus, the clinical significance of this variant is currently uncertain.

GeneDx
Classification: Likely benign. Last evaluated: 2021-05-13. Review status: criteria provided, single submitter. Criteria: GeneDx Variant Classification Process June 2021. Collection method: clinical testing. Allele origin: germline. Affected: yes.
Comment: See Variant Classification Assertion Criteria.

Baylor Genetics
Classification: Uncertain significance for Fanconi anemia complementation group A. Last evaluated: 2018-01-09. Review status: criteria provided, single submitter. Criteria: ACMG Guidelines, 2015. Collection method: clinical testing. Allele origin: maternal. Affected: yes.
Comment: This variant was determined to be of uncertain significance according to ACMG Guidelines, 2015 [PMID:25741868].

PreventionGenetics, part of Exact Sciences
Classification: Likely benign for FANCA-related condition. Last evaluated: 2021-02-04. Review status: no assertion criteria provided. Collection method: clinical testing. Allele origin: germline. Not counted in ClinVar's aggregate classification.
Comment: This variant is classified as likely benign based on ACMG/AMP sequence variant interpretation guidelines (Richards et al. 2015 PMID: 25741868, with internal and published modifications).

ITMI
No classification provided. Condition: AllHighlyPenetrant. Last evaluated: 2013-09-19. Review status: no classification provided. Collection method: reference population. Allele origin: germline. Not counted in ClinVar's aggregate classification.
Comment: Please see associated publication for description of ethnicities

Literature cited by the submitters: PubMed 24728327 (cited by Quest Diagnostics Nichols Institute San Juan Capistrano and ITMI).

NM_000135.4(FANCA):c.2101A>G (p.Lys701Glu)

Gene: FANCA (FA complementation group A; minus strand). Cytogenetic location: 16q24.3.
Variant type: single nucleotide variant.
Coding change: c.2101A>G on transcript NM_000135.4 (MANE Select); coding-DNA position 2101, A replaced by G.
Protein change: p.Lys701Glu; replaces lysine 701 with glutamic acid.
Molecular consequence: missense variant.
Genome position (GRCh38, 1-based): chr16:89,771,728, T>C on the plus strand (A>G on the coding strand, the complement: FANCA is on the minus strand). VCF-style: chr16-89771728-T-C. GRCh37 (hg19) VCF-style: chr16-89838136-T-C.
Other names: c.2101A>G (LRG_495t1, NM_000135.3); c.2101A>G, p.Lys701Glu (NM_001286167.3); short protein forms K701E.
Identifiers: ClinVar variation 134251 (VCV000134251.20), dbSNP rs56369086, ClinGen allele CA159266.